The following is an entry in ClinVar:

ClinVar aggregate classification (germline): Uncertain significance (1 of 4 stars; one submission).

Conditions:
Cardiovascular phenotype. Identifiers: MedGen CN230736.

Allele frequency attached by ClinVar (database versions not stated): TOPMed below 0.00001; gnomAD 0.00001.
gnomAD v4.1: 1 of 1,614,054 alleles (0.000062%); highest among the groups gnomAD compares: African/African-American, 0.0013%; no homozygotes.

Submission:

Ambry Genetics
Classification: Uncertain significance for Cardiovascular phenotype. Last evaluated: 2022-08-26. Review status: criteria provided, single submitter. Criteria: Ambry Variant Classification Scheme 2023. Collection method: clinical testing. Allele origin: germline.
Comment: The p.V3317E variant (also known as c.9950T>A), located in coding exon 13 of the ALMS1 gene, results from a T to A substitution at nucleotide position 9950. The valine at codon 3317 is replaced by glutamic acid, an amino acid with dissimilar properties. This amino acid position is well conserved in available vertebrate species. In addition, this alteration is predicted to be tolerated by in silico analysis. Since supporting evidence is limited at this time, the clinical significance of this alteration remains unclear.

NM_001378454.1(ALMS1):c.9947T>A (p.Val3316Glu)

Gene: ALMS1 (ALMS1 centrosome and basal body associated protein; plus strand). Cytogenetic location: 2p13.1.
Variant type: single nucleotide variant.
Coding change: c.9947T>A on transcript NM_001378454.1 (MANE Select); coding-DNA position 9947, T replaced by A.
Protein change: p.Val3316Glu; replaces valine 3316 with glutamic acid.
Molecular consequence: missense variant.
Genome position (GRCh38, 1-based): chr2:73,550,306, T>A. VCF-style: chr2-73550306-T-A. GRCh37 (hg19) VCF-style: chr2-73777433-T-A.
Other names: c.9950T>A, p.Val3317Glu (NM_015120.4); short protein forms V3316E, V3317E.
Identifiers: ClinVar variation 1768712 (VCV001768712.2), dbSNP rs1167403004, ClinGen allele CA347271501.
Genomic context (GRCh38, chr2:73,550,306, plus strand): 5'-TACTTCCCCGTTTTTCTGTAGGATCCAATGATGCCATTGCTCCAGACTTCCCAGCTCAGG[T>A]GCTAGGCACAAGAGATGATGACCTCTCAGCCACTGTTAACATTAAACATAAAGAAGGAAT-3'
Protein context (NP_001365383.1, residues 3306-3326): DAIAPDFPAQ[Val3316Glu]LGTRDDDLSA